The following is an entry in ClinVar:

ClinVar aggregate classification (germline): Uncertain significance (1 of 4 stars; one submission).

Conditions:
Hypertrophic cardiomyopathy 26. Also called: Cardiomyopathy, familial hypertrophic, 26. Identifiers: Orphanet 75249, MedGen C4310749, MONDO:0014883, OMIM 617047.
Distal myopathy with posterior leg and anterior hand involvement. Also called: WILLIAMS DISTAL MYOPATHY. Identifiers: Orphanet 63273, MedGen C3279722, MONDO:0013550, OMIM 614065.
Myofibrillar myopathy 5. Also called: Filaminopathy (type); FILAMINOPATHY, AUTOSOMAL DOMINANT. Identifiers: Orphanet 171445, MedGen C1836050, MONDO:0012289, OMIM 609524.

Submission:

Labcorp Genetics (formerly Invitae), Labcorp
Classification: Uncertain significance for Distal myopathy with posterior leg and anterior hand involvement; Myofibrillar myopathy 5; Hypertrophic cardiomyopathy 26. Last evaluated: 2022-10-23. Review status: criteria provided, single submitter. Criteria: Invitae Variant Classification Sherloc (09022015). Collection method: clinical testing. Allele origin: germline.
Comment: This variant is not present in population databases (gnomAD no frequency). This sequence change replaces tryptophan, which is neutral and slightly polar, with glycine, which is neutral and non-polar, at codon 34 of the FLNC protein (p.Trp34Gly). This variant has not been reported in the literature in individuals affected with FLNC-related conditions. Advanced modeling of protein sequence and biophysical properties (such as structural, functional, and spatial information, amino acid conservation, physicochemical variation, residue mobility, and thermodynamic stability) has been performed at Invitae for this missense variant, however the output from this modeling did not meet the statistical confidence thresholds required to predict the impact of this variant on FLNC protein function. In summary, the available evidence is currently insufficient to determine the role of this variant in disease. Therefore, it has been classified as a Variant of Uncertain Significance.

NM_001458.5(FLNC):c.100T>G (p.Trp34Gly)

Gene: FLNC (filamin C; plus strand). Cytogenetic location: 7q32.1.
Variant type: single nucleotide variant.
Coding change: c.100T>G on transcript NM_001458.5 (MANE Select); coding-DNA position 100, T replaced by G.
Protein change: p.Trp34Gly; replaces tryptophan 34 with glycine.
Molecular consequence: missense variant.
Genome position (GRCh38, 1-based): chr7:128,830,737, T>G. VCF-style: chr7-128830737-T-G. GRCh37 (hg19) VCF-style: chr7-128470791-T-G.
Other names: c.100T>G, p.Trp34Gly (NM_001127487.2); short protein forms W34G.
Identifiers: ClinVar variation 1722070 (VCV001722070.6), dbSNP rs2536605043, ClinGen allele CA369215724.